The following is an entry in ClinVar:

NM_001040108.2(MLH3):c.1636A>G (p.Arg546Gly)

Gene: MLH3 (mutL homolog 3; minus strand). Cytogenetic location: 14q24.3.
Variant type: single nucleotide variant.
Coding change: c.1636A>G on transcript NM_001040108.2 (MANE Select); coding-DNA position 1636, A replaced by G.
Protein change: p.Arg546Gly; replaces arginine 546 with glycine.
Molecular consequence: missense variant.
Genome position (GRCh38, 1-based): chr14:75,048,020, T>C on the plus strand (A>G on the coding strand, the complement: MLH3 is on the minus strand). VCF-style: chr14-75048020-T-C. GRCh37 (hg19) VCF-style: chr14-75514723-T-C.
Other names: c.1636A>G, p.Arg546Gly (NM_014381.3); short protein forms R546G.
Identifiers: ClinVar variation 2563530 (VCV002563530.2), dbSNP rs138349213, ClinGen allele CA7275841.

ClinVar aggregate classification (germline): Uncertain significance (1 of 4 stars; one submission).

Allele frequency attached by ClinVar (database versions not stated): ExAC 0.00001; gnomAD 0.00001; TOPMed 0.00002; ESP Exome Variant Server 0.00008.
gnomAD v4.1: 2 of 1,613,592 alleles (0.00012%); highest among the groups gnomAD compares: African/African-American, 0.0027%; no homozygotes.

Submission:

Ambry Genetics
Classification: Uncertain significance. Last evaluated: 2023-04-01. Review status: criteria provided, single submitter. Criteria: Ambry Variant Classification Scheme 2023. Collection method: clinical testing. Allele origin: germline.
Comment: The p.R546G variant (also known as c.1636A>G), located in coding exon 1 of the MLH3 gene, results from an A to G substitution at nucleotide position 1636. The arginine at codon 546 is replaced by glycine, an amino acid with dissimilar properties. This amino acid position is conserved. In addition, this alteration is predicted to be tolerated by in silico analysis. Since supporting evidence is limited at this time, the clinical significance of this alteration remains unclear.